The following is an entry in ClinVar:

ClinVar aggregate classification (germline): Uncertain significance. Review status: criteria provided, multiple submitters, no conflicts (2 of 4 stars). 2 submissions from 2 submitters: Uncertain significance (2). Last evaluated 2026-03-24.

Conditions:
Hereditary cancer-predisposing syndrome. Also called: Tumor predisposition; Hereditary Cancer Syndrome; Neoplastic Syndromes, Hereditary; Hereditary neoplastic syndrome. Identifiers: Orphanet 140162, MedGen C0027672, MeSH D009386, MONDO:0015356.
Multiple endocrine neoplasia, type 1 (MEN1). Also called: MEA I; MEN I; WERMER SYNDROME; Endocrine adenomatosis multiple; MEN 1. Identifiers: Orphanet 652, MedGen C0025267, MeSH D018761, MONDO:0007540, OMIM 131100.

Submissions (2):

Ambry Genetics
Classification: Uncertain significance for Hereditary cancer-predisposing syndrome. Last evaluated: 2026-03-24. Review status: criteria provided, single submitter. Criteria: Ambry Variant Classification Scheme 2023. Collection method: clinical testing. Allele origin: germline.
Comment: The p.P79L variant (also known as c.236C>T), located in coding exon 1 of the MEN1 gene, results from a C to T substitution at nucleotide position 236. The proline at codon 79 is replaced by leucine, an amino acid with similar properties. This amino acid position is highly conserved in available vertebrate species. In addition, this alteration is predicted to be deleterious by in silico analysis. Based on the available evidence, the clinical significance of this variant remains unclear.

Labcorp Genetics (formerly Invitae), Labcorp
Classification: Uncertain significance for Multiple endocrine neoplasia, type 1. Last evaluated: 2022-07-25. Review status: criteria provided, single submitter. Criteria: Invitae Variant Classification Sherloc (09022015). Collection method: clinical testing. Allele origin: germline.
Comment: In summary, the available evidence is currently insufficient to determine the role of this variant in disease. Therefore, it has been classified as a Variant of Uncertain Significance. Advanced modeling of protein sequence and biophysical properties (such as structural, functional, and spatial information, amino acid conservation, physicochemical variation, residue mobility, and thermodynamic stability) performed at Invitae indicates that this missense variant is expected to disrupt MEN1 protein function. ClinVar contains an entry for this variant (Variation ID: 649241). This variant has not been reported in the literature in individuals affected with MEN1-related conditions. This variant is not present in population databases (gnomAD no frequency). This sequence change replaces proline, which is neutral and non-polar, with leucine, which is neutral and non-polar, at codon 79 of the MEN1 protein (p.Pro79Leu).

NM_001370259.2(MEN1):c.236C>T (p.Pro79Leu)

Gene: MEN1 (menin 1; minus strand). Cytogenetic location: 11q13.1.
Variant type: single nucleotide variant.
Coding change: c.236C>T on transcript NM_001370259.2 (MANE Select); coding-DNA position 236, C replaced by T.
Protein change: p.Pro79Leu; replaces proline 79 with leucine.
Molecular consequence: missense variant.
Genome position (GRCh38, 1-based): chr11:64,809,874, G>A on the plus strand (C>T on the coding strand, the complement: MEN1 is on the minus strand). VCF-style: chr11-64809874-G-A. GRCh37 (hg19) VCF-style: chr11-64577346-G-A.
Other names: c.236C>T, p.Pro79Leu (NM_130804.3, NM_001370251.2, NM_001370260.2 and 9 more transcripts); short protein forms P79L.
Identifiers: ClinVar variation 649241 (VCV000649241.12), dbSNP rs1555166557, ClinGen allele CA381187584.
Genomic context (GRCh38, chr11:64,809,874, plus strand): 5'-CCTCGGATCTGGGCGGTGAAGCGGGCATAGAGGGCGGCGATGATAGACAGGTCGGCCACG[G>A]GAAAGTAGGTGAGGCCGCCAGGCGGGTCGGGGGCGGGGCTGGGCTGGAAGGTGAGCTCGG-3'
Protein context (NP_001357188.2, residues 69-89): PDPPGGLTYF[Pro79Leu]VADLSIIAAL